The following is an entry in ClinVar:

ClinVar aggregate classification (germline): Uncertain significance (1 of 4 stars; one submission).

Allele frequency attached by ClinVar (database versions not stated): ExAC 0.00006; 1000 Genomes Project 30x 0.00016.
gnomAD v4.1: 19 of 1,568,280 alleles (0.0012%); highest among the groups gnomAD compares: Admixed American, 0.018%; no homozygotes.

Submission:

Labcorp Genetics (formerly Invitae), Labcorp
Classification: Uncertain significance. Last evaluated: 2022-10-29. Review status: criteria provided, single submitter. Criteria: Invitae Variant Classification Sherloc (09022015). Collection method: clinical testing. Allele origin: germline.
Comment: In summary, the available evidence is currently insufficient to determine the role of this variant in disease. Therefore, it has been classified as a Variant of Uncertain Significance. Algorithms developed to predict the effect of missense changes on protein structure and function (SIFT, PolyPhen-2, Align-GVGD) all suggest that this variant is likely to be tolerated. This variant has not been reported in the literature in individuals affected with SCARF2-related conditions. This variant is present in population databases (rs761786923, gnomAD 0.03%). This sequence change replaces isoleucine, which is neutral and non-polar, with threonine, which is neutral and polar, at codon 645 of the SCARF2 protein (p.Ile645Thr).

NM_182895.5(SCARF2):c.1919T>C (p.Ile640Thr)

Gene: SCARF2 (scavenger receptor class F member 2; minus strand). Cytogenetic location: 22q11.21.
Variant type: single nucleotide variant.
Coding change: c.1919T>C on transcript NM_182895.5 (MANE Select); coding-DNA position 1919, T replaced by C.
Protein change: p.Ile640Thr; replaces isoleucine 640 with threonine.
Molecular consequence: missense variant.
Genome position (GRCh38, 1-based): chr22:20,426,057, A>G on the plus strand (T>C on the coding strand, the complement: SCARF2 is on the minus strand). VCF-style: chr22-20426057-A-G. GRCh37 (hg19) VCF-style: chr22-20780344-A-G.
Other names: c.1934T>C, p.Ile645Thr (NM_153334.7); short protein forms I640T, I645T.
Identifiers: ClinVar variation 2053727 (VCV002053727.4), dbSNP rs761786923, ClinGen allele CA10112268.